The following is an entry in ClinVar:

ClinVar aggregate classification (germline): Uncertain significance. Review status: criteria provided, multiple submitters, no conflicts (2 of 4 stars). 2 submissions from 2 submitters: Uncertain significance (2). Last evaluated 2025-10-27.

Conditions:
Fanconi anemia (FA). Also called: Fanconi's anemia. Identifiers: Orphanet 84, MedGen C0015625, MeSH D005199, MONDO:0019391.

Allele frequency attached by ClinVar (database versions not stated): ExAC 0.00002; gnomAD 0.00012 and 0.00011; gnomAD exomes below 0.00001 and 0.00002; TOPMed 0.00017.
gnomAD v4.1: 26 of 1,613,572 alleles (0.0016%); highest among the groups gnomAD compares: African/African-American, 0.025%; no homozygotes.

Submissions (2):

Labcorp Genetics (formerly Invitae), Labcorp
Classification: Uncertain significance for Fanconi anemia. Last evaluated: 2025-10-27. Review status: criteria provided, single submitter. Criteria: Invitae Variant Classification Sherloc (09022015). Collection method: clinical testing. Allele origin: germline.
Comment: This sequence change replaces leucine, which is neutral and non-polar, with proline, which is neutral and non-polar, at codon 622 of the FANCG protein (p.Leu622Pro). This variant is present in population databases (rs771669019, gnomAD 0.03%). This variant has not been reported in the literature in individuals affected with FANCG-related conditions. ClinVar contains an entry for this variant (Variation ID: 1337537). An algorithm developed to predict the effect of missense changes on protein structure and function outputs the following: PolyPhen-2: "Possibly Damaging". The proline amino acid residue is found in multiple mammalian species, which suggests that this missense change does not adversely affect protein function. In summary, the available evidence is currently insufficient to determine the role of this variant in disease. Therefore, it has been classified as a Variant of Uncertain Significance.

Genetic Services Laboratory, University of Chicago
Classification: Uncertain significance. Last evaluated: 2020-02-14. Review status: criteria provided, single submitter. Criteria: ACMG Guidelines, 2015. Collection method: clinical testing. Allele origin: germline. Affected: no.
Comment: DNA sequence analysis of the FANCG gene demonstrated a sequence change, c.1865T>C, in exon 14 that results in an amino acid change, p.Leu622Pro. This sequence change does not appear to have been previously described in patients with FANCG-related disorders and has been described in the gnomAD database with a frequency of 0.03% in the African sub-population (dbSNP rs771669019). The p.Leu622Pro change affects a moderately conserved amino acid residue located in a domain of the FANCG protein that is not known to be functional. In-silico pathogenicity prediction tools (SIFT, PolyPhen2, Align GVGD, REVEL) provide contradictory results for the p.Leu622Pro substitution. Due to these contrasting evidences and the lack of functional studies, the clinical significance of the p.Leu622Pro change remains unknown at this time.

NM_004629.2(FANCG):c.1865T>C (p.Leu622Pro)

Gene: FANCG (FA complementation group G; minus strand). Cytogenetic location: 9p13.3.
Variant type: single nucleotide variant.
Coding change: c.1865T>C on transcript NM_004629.2 (MANE Select); coding-DNA position 1865, T replaced by C.
Protein change: p.Leu622Pro; replaces leucine 622 with proline.
Molecular consequence: missense variant.
Genome position (GRCh38, 1-based): chr9:35,074,112, A>G on the plus strand (T>C on the coding strand, the complement: FANCG is on the minus strand). VCF-style: chr9-35074112-A-G. GRCh37 (hg19) VCF-style: chr9-35074109-A-G.
Other names: short protein forms L622P.
Identifiers: ClinVar variation 1337537 (VCV001337537.6), dbSNP rs771669019, ClinGen allele CA5039601.